The following is an entry in ClinVar:

NM_001177316.2(SLC34A3):c.1238C>T (p.Ala413Val)

Gene: SLC34A3 (solute carrier family 34 member 3; plus strand). Cytogenetic location: 9q34.3.
Variant type: single nucleotide variant.
Coding change: c.1238C>T on transcript NM_001177316.2 (MANE Select); coding-DNA position 1238, C replaced by T.
Protein change: p.Ala413Val; replaces alanine 413 with valine.
Molecular consequence: missense variant.
Genome position (GRCh38, 1-based): chr9:137,234,634, C>T. VCF-style: chr9-137234634-C-T. GRCh37 (hg19) VCF-style: chr9-140129086-C-T.
Other names: c.1238C>T, p.Ala413Val (NM_001177317.2, NM_080877.3); short protein forms A413V.
Identifiers: ClinVar variation 1395853 (VCV001395853.9), dbSNP rs121918235, ClinGen allele CA5364871.

ClinVar aggregate classification (germline): Uncertain significance. Review status: criteria provided, multiple submitters, no conflicts (2 of 4 stars). 3 submissions from 3 submitters: Uncertain significance (3). Last evaluated 2024-06-10.

Conditions:
Autosomal recessive hypophosphatemic bone disease (HHRH). Also called: HYPERCALCIURIC RICKETS; Hypophosphatemic rickets with hypercalciuria. Identifiers: Orphanet 157215, MedGen C1853271, MONDO:0009431, OMIM 241530.

Allele frequency attached by ClinVar (database versions not stated): gnomAD 0.00001; gnomAD exomes 0.00001 and 0.00003; TOPMed 0.00003; ExAC 0.00006.
gnomAD v4.1: 22 of 1,612,334 alleles (0.0014%); highest among the groups gnomAD compares: Admixed American, 0.0017%; no homozygotes.

Submissions (3):

Fulgent Genetics
Classification: Uncertain significance for Autosomal recessive hypophosphatemic bone disease. Last evaluated: 2024-06-10. Review status: criteria provided, single submitter. Criteria: ACMG Guidelines, 2015. Collection method: clinical testing. Allele origin: germline.

Blueprint Genetics
Classification: Uncertain significance. Last evaluated: 2024-03-07. Review status: criteria provided, single submitter. Criteria: ACMG Guidelines, 2015. Collection method: clinical testing. Allele origin: germline.

Labcorp Genetics (formerly Invitae), Labcorp
Classification: Uncertain significance. Last evaluated: 2021-05-12. Review status: criteria provided, single submitter. Criteria: Invitae Variant Classification Sherloc (09022015). Collection method: clinical testing. Allele origin: germline.
Comment: Algorithms developed to predict the effect of missense changes on protein structure and function are either unavailable or do not agree on the potential impact of this missense change (SIFT: "Tolerated"; PolyPhen-2: "Probably Damaging"; Align-GVGD: "Class C0"). This variant has not been reported in the literature in individuals with SLC34A3-related conditions. This variant is present in population databases (rs121918235, ExAC 0.02%). This sequence change replaces alanine with valine at codon 413 of the SLC34A3 protein (p.Ala413Val). The alanine residue is highly conserved and there is a small physicochemical difference between alanine and valine. In summary, the available evidence is currently insufficient to determine the role of this variant in disease. Therefore, it has been classified as a Variant of Uncertain Significance.